The following is an entry in ClinVar:

NM_000218.3(KCNQ1):c.1810C>G (p.Gln604Glu)

Genes: KCNQ1 (potassium voltage-gated channel subfamily Q member 1; plus strand), KCNQ1-AS1 (KCNQ1 antisense RNA 1; minus strand). Cytogenetic location: 11p15.4.
Variant type: single nucleotide variant.
Coding change: c.1810C>G on transcript NM_000218.3 (MANE Select); coding-DNA position 1810, C replaced by G.
Protein change: p.Gln604Glu; replaces glutamine 604 with glutamic acid.
Molecular consequence: missense variant.
Genome position (GRCh38, 1-based): chr11:2,847,782, C>G. VCF-style: chr11-2847782-C-G. GRCh37 (hg19) VCF-style: chr11-2869012-C-G.
Other names: c.1714C>G, p.Gln572Glu (NM_001406836.1); c.1540C>G, p.Gln514Glu (NM_001406837.1); c.1270C>G, p.Gln424Glu (NM_001406838.1); c.322C>G, p.Gln108Glu (NM_001406839.1); c.1429C>G, p.Gln477Glu (NM_181798.2); short protein forms Q108E, Q424E, Q477E, Q514E, Q572E, Q604E.
Identifiers: ClinVar variation 3071751 (VCV003071751.3), dbSNP rs1848361611, ClinGen allele CA379140205.
Genomic context (GRCh38, chr11:2,847,782, plus strand): 5'-GGTGCTTCCCACCACTGACTCTCTCGTCTGCCTTTGTCCCCGCAGGTGACGCAGCTGGAC[C>G]AGAGGCTGGCACTCATCACCGACATGCTTCACCAGCTGCTCTCCTTGCACGGTGGCAGCA-3'
Protein context (NP_000209.2, residues 594-614): RVEDKVTQLD[Gln604Glu]RLALITDMLH

ClinVar aggregate classification (germline): Uncertain significance. Review status: criteria provided, multiple submitters, no conflicts (2 of 4 stars). 2 submissions from 2 submitters: Uncertain significance (2). Last evaluated 2026-04-27.

Conditions:
Long QT syndrome (LQTS). Identifiers: MedGen C0023976, MeSH D008133, MONDO:0002442. Disease mechanism: loss of function. Inheritance: Various modes of inheritance.
Cardiovascular phenotype. Identifiers: MedGen CN230736.

Allele frequency attached by ClinVar (database versions not stated): TOPMed below 0.00001.
gnomAD v4.1: 3 of 1,573,498 alleles (0.00019%); highest among the groups gnomAD compares: Non-Finnish European, 0.00026%; no homozygotes.

Submissions (2):

Ambry Genetics
Classification: Uncertain significance for Cardiovascular phenotype. Last evaluated: 2026-04-27. Review status: criteria provided, single submitter. Criteria: Ambry Variant Classification Scheme 2023. Collection method: clinical testing. Allele origin: germline.
Comment: The p.Q604E variant (also known as c.1810C>G), located in coding exon 16 of the KCNQ1 gene, results from a C to G substitution at nucleotide position 1810. The glutamine at codon 604 is replaced by glutamic acid, an amino acid with highly similar properties. This amino acid position is conserved. In addition, the in silico prediction for this alteration is inconclusive. Based on the available evidence, the clinical significance of this variant remains unclear.

All of Us Research Program, National Institutes of Health
Classification: Uncertain significance for Long QT syndrome. Last evaluated: 2024-03-05. Review status: criteria provided, single submitter. Criteria: ACMG Guidelines, 2015. Collection method: clinical testing. Allele origin: germline. Inheritance: Autosomal dominant inheritance. Observed: 2 variant alleles, 2 heterozygotes.
Comment: This study involves interpretation of variants in research participants for the purpose of population health screening. Participant phenotype was not available at the time of variant classification. Additional details can be found in publication PMID: 35346344, PMCID: PMC8962531